The following is an entry in ClinVar:

NM_138420.4(AHNAK2):c.4122T>G (p.Thr1374=)

Gene: AHNAK2 (AHNAK nucleoprotein 2; minus strand). Cytogenetic location: 14q32.33.
Variant type: single nucleotide variant.
Coding change: c.4122T>G on transcript NM_138420.4 (MANE Select); coding-DNA position 4122, T replaced by G.
Protein change: p.Thr1374=; no amino-acid change (threonine 1374 retained).
Molecular consequence: synonymous variant.
Genome position (GRCh38, 1-based): chr14:104,951,329, A>C on the plus strand (T>G on the coding strand, the complement: AHNAK2 is on the minus strand). VCF-style: chr14-104951329-A-C. GRCh37 (hg19) VCF-style: chr14-105417666-A-C.
Other names: c.3822T>G, p.Thr1274= (NM_001350929.2).
Identifiers: ClinVar variation 4681608 (VCV004681608.5).

ClinVar aggregate classification (germline): Likely benign (1 of 4 stars; one submission).

Submission:

CeGaT Center for Human Genetics Tuebingen
Classification: Likely benign. Last evaluated: 2025-12-01. Review status: criteria provided, single submitter. Criteria: CeGaT Center For Human Genetics Tuebingen Variant Classification Criteria Version 2. Collection method: clinical testing. Allele origin: germline. Affected: yes. Observed: 1 variant allele.
Comment: AHNAK2: BP4, BP7